The following is an entry in ClinVar:

NM_006796.3(AFG3L2):c.715A>G (p.Asn239Asp)

Gene: AFG3L2 (AFG3 like matrix AAA peptidase subunit 2; minus strand). Cytogenetic location: 18p11.21.
Variant type: single nucleotide variant.
Coding change: c.715A>G on transcript NM_006796.3 (MANE Select); coding-DNA position 715, A replaced by G.
Protein change: p.Asn239Asp; replaces asparagine 239 with aspartic acid.
Molecular consequence: missense variant.
Genome position (GRCh38, 1-based): chr18:12,359,964, T>C on the plus strand (A>G on the coding strand, the complement: AFG3L2 is on the minus strand). VCF-style: chr18-12359964-T-C. GRCh37 (hg19) VCF-style: chr18-12359963-T-C.
Other names: short protein forms N239D.
Identifiers: ClinVar variation 1971985 (VCV001971985.6), dbSNP rs774733416, ClinGen allele CA8896681.
Genomic context (GRCh38, chr18:12,359,964, plus strand): 5'-CAAAATATTATATTTGAGATTACCCATCACTTTCAGCAATGTAGACAACAGGCACCCGAT[T>C]TTCTCCTTCTATGCCCAATTCCTGCTGTAAAGTTTCCAGATTCCGTTCAAAGGTGTCCAC-3'
Protein context (NP_006787.2, residues 229-249): LQQELGIEGE[Asn239Asp]RVPVVYIAES

ClinVar aggregate classification (germline): Uncertain significance. Review status: criteria provided, single submitter (1 of 4 stars). 2 submissions from 2 submitters: Uncertain significance (1). 1 of the submissions does not count toward it. Last evaluated 2022-08-22.

Conditions:
AFG3L2-related disorder. Also called: AFG3L2-related condition.

Allele frequency attached by ClinVar (database versions not stated): gnomAD exomes below 0.00001; ExAC 0.00001; gnomAD 0.00001; TOPMed 0.00001.
gnomAD v4.1: 6 of 1,613,968 alleles (0.00037%); highest among the groups gnomAD compares: Admixed American, 0.005%; no homozygotes.

Submissions (2):

Labcorp Genetics (formerly Invitae), Labcorp
Classification: Uncertain significance. Last evaluated: 2022-08-22. Review status: criteria provided, single submitter. Criteria: Invitae Variant Classification Sherloc (09022015). Collection method: clinical testing. Allele origin: germline.
Comment: In summary, the available evidence is currently insufficient to determine the role of this variant in disease. Therefore, it has been classified as a Variant of Uncertain Significance. Advanced modeling of protein sequence and biophysical properties (such as structural, functional, and spatial information, amino acid conservation, physicochemical variation, residue mobility, and thermodynamic stability) performed at Invitae indicates that this missense variant is not expected to disrupt AFG3L2 protein function. This variant has not been reported in the literature in individuals affected with AFG3L2-related conditions. This variant is present in population databases (rs774733416, gnomAD 0.006%). This sequence change replaces asparagine, which is neutral and polar, with aspartic acid, which is acidic and polar, at codon 239 of the AFG3L2 protein (p.Asn239Asp).

PreventionGenetics, part of Exact Sciences
Classification: Uncertain significance for AFG3L2-related condition. Last evaluated: 2024-03-28. Review status: no assertion criteria provided. Collection method: clinical testing. Allele origin: germline. Not counted in ClinVar's aggregate classification.
Comment: The AFG3L2 c.715A>G variant is predicted to result in the amino acid substitution p.Asn239Asp. To our knowledge, this variant has not been reported in the literature. This variant is reported in 0.0058% of alleles in individuals of Latino descent in gnomAD. At this time, the clinical significance of this variant is uncertain due to the absence of conclusive functional and genetic evidence.